The following is an entry in ClinVar:

ClinVar aggregate classification (germline): Uncertain significance (1 of 4 stars; one submission).

Conditions:
PLCG1-related disorder. Also called: PLCG1-related condition.

Submission:

PreventionGenetics, part of Exact Sciences
Classification: Uncertain significance for PLCG1-related condition. Last evaluated: 2025-09-09. Review status: criteria provided, single submitter. Criteria: ACMG Guidelines, 2015. Collection method: clinical testing. Allele origin: germline.
Comment: The PLCG1 c.3318C>T variant is not predicted to result in an amino acid change (p.=). This variant is predicted to create a cryptic splice donor site based on available splicing prediction programs (SpliceAI, Jaganathan et al. 2019. PubMed ID: 30661751).To our knowledge, this variant has not been reported in the literature or in a large population database (gnomAD), indicating this variant is rare. At this time, the clinical significance of this variant is uncertain due to the absence of conclusive functional and genetic evidence.

NM_002660.3(PLCG1):c.3318C>T (p.Gly1106=)

Gene: PLCG1 (phospholipase C gamma 1; plus strand). Cytogenetic location: 20q12.
Variant type: single nucleotide variant.
Coding change: c.3318C>T on transcript NM_002660.3 (MANE Select); coding-DNA position 3318, C replaced by T.
Protein change: p.Gly1106=; no amino-acid change (glycine 1106 retained).
Molecular consequence: synonymous variant.
Genome position (GRCh38, 1-based): chr20:41,173,458, C>T. VCF-style: chr20-41173458-C-T. GRCh37 (hg19) VCF-style: chr20-39802098-C-T.
Other names: c.3318C>T, p.Gly1106= (NM_182811.2).
Identifiers: ClinVar variation 4995330 (VCV004995330.1).